The following is an entry in ClinVar:

NM_001042492.3(NF1):c.6849C>T (p.Asp2283=)

Gene: NF1 (neurofibromin 1; plus strand). Cytogenetic location: 17q11.2.
Variant type: single nucleotide variant.
Coding change: c.6849C>T on transcript NM_001042492.3 (MANE Select); coding-DNA position 6849, C replaced by T.
Protein change: p.Asp2283=; no amino-acid change (aspartic acid 2283 retained).
Molecular consequence: synonymous variant.
Genome position (GRCh38, 1-based): chr17:31,338,733, C>T. VCF-style: chr17-31338733-C-T. GRCh37 (hg19) VCF-style: chr17-29665751-C-T.
Other names: c.6786C>T, p.Asp2262= (NM_000267.4).
Identifiers: ClinVar variation 826619 (VCV000826619.13), dbSNP rs1597845951, ClinGen allele CA499234336.

ClinVar aggregate classification (germline): Benign/Likely benign. Review status: criteria provided, multiple submitters, no conflicts (2 of 4 stars). 5 submissions from 5 submitters: Benign (1); Likely benign (4). Last evaluated 2026-09-29.

Conditions:
Cardiovascular phenotype. Identifiers: MedGen CN230736.
Hereditary cancer-predisposing syndrome. Also called: Hereditary neoplastic syndrome; Neoplastic Syndromes, Hereditary; Tumor predisposition; Hereditary Cancer Syndrome. Identifiers: Orphanet 140162, MedGen C0027672, MeSH D009386, MONDO:0015356.
Neurofibromatosis, type 1 (NF1). Also called: Neurofibromatosis, type I; Peripheral type neurofibromatosis; VON RECKLINGHAUSEN DISEASE; NEUROFIBROMATOSIS, TYPE I, SOMATIC. Identifiers: Orphanet 636, MedGen C0027831, MONDO:0018975, OMIM 162200. Disease mechanism: loss of function.

Allele frequency attached by ClinVar (database versions not stated): TOPMed below 0.00001.

Submissions (5):

Myriad Genetics, Inc.
Classification: Benign for Neurofibromatosis, type 1. Last evaluated: 2026-09-29. Review status: criteria provided, single submitter. Criteria: Myriad Autosomal Dominant, Autosomal Recessive and X-Linked Classification Criteria (2023). Collection method: clinical testing. Allele origin: unknown.
Comment: This variant is considered benign. This variant is a silent/synonymous amino acid change and it is not expected to impact splicing.

Labcorp Genetics (formerly Invitae), Labcorp
Classification: Likely benign for Neurofibromatosis, type 1. Last evaluated: 2024-08-28. Review status: criteria provided, single submitter. Criteria: Invitae Variant Classification Sherloc (09022015). Collection method: clinical testing. Allele origin: germline.

Blueprint Genetics
Classification: Likely benign. Last evaluated: 2023-01-05. Review status: criteria provided, single submitter. Criteria: ACMG Guidelines, 2015. Collection method: clinical testing. Allele origin: germline.

Genome-Nilou Lab
Classification: Likely benign for Neurofibromatosis, type 1. Last evaluated: 2022-03-15. Review status: criteria provided, single submitter. Criteria: ACMG Guidelines, 2015. Collection method: clinical testing. Allele origin: germline. Affected: no.

Ambry Genetics
Classification: Likely benign for Cardiovascular phenotype; Hereditary cancer-predisposing syndrome. Last evaluated: 2018-01-30. Review status: criteria provided, single submitter. Criteria: Ambry Variant Classification Scheme 2023. Collection method: clinical testing. Allele origin: germline.